The following is an entry in ClinVar:

NM_020638.3(FGF23):c.340A>G (p.Arg114Gly)

Gene: FGF23 (fibroblast growth factor 23; minus strand). Cytogenetic location: 12p13.32.
Variant type: single nucleotide variant.
Coding change: c.340A>G on transcript NM_020638.3 (MANE Select); coding-DNA position 340, A replaced by G.
Protein change: p.Arg114Gly; replaces arginine 114 with glycine.
Molecular consequence: missense variant.
Genome position (GRCh38, 1-based): chr12:4,370,759, T>C on the plus strand (A>G on the coding strand, the complement: FGF23 is on the minus strand). VCF-style: chr12-4370759-T-C. GRCh37 (hg19) VCF-style: chr12-4479925-T-C.
Other names: c.340A>G (NM_020638.2); short protein forms R114G.
Identifiers: ClinVar variation 2171689 (VCV002171689.5), dbSNP rs1228363249, ClinGen allele CA383416502.

ClinVar aggregate classification (germline): Uncertain significance. Review status: criteria provided, multiple submitters, no conflicts (2 of 4 stars). 2 submissions from 2 submitters: Uncertain significance (2). Last evaluated 2024-03-28.

Conditions:
Inborn genetic diseases. Identifiers: MedGen C0950123, MeSH D030342.

Allele frequency attached by ClinVar (database versions not stated): gnomAD exomes below 0.00001; TOPMed below 0.00001.
gnomAD v4.1: 4 of 1,614,096 alleles (0.00025%); highest among the groups gnomAD compares: East Asian, 0.0045%; no homozygotes.

Submissions (2):

Ambry Genetics
Classification: Uncertain significance for Inborn genetic diseases. Last evaluated: 2024-03-28. Review status: criteria provided, single submitter. Criteria: Ambry Variant Classification Scheme 2023. Collection method: clinical testing. Allele origin: germline.

Labcorp Genetics (formerly Invitae), Labcorp
Classification: Uncertain significance. Last evaluated: 2022-05-08. Review status: criteria provided, single submitter. Criteria: Invitae Variant Classification Sherloc (09022015). Collection method: clinical testing. Allele origin: germline.
Comment: In summary, the available evidence is currently insufficient to determine the role of this variant in disease. Therefore, it has been classified as a Variant of Uncertain Significance. Algorithms developed to predict the effect of missense changes on protein structure and function (SIFT, PolyPhen-2, Align-GVGD) all suggest that this variant is likely to be tolerated. This variant has not been reported in the literature in individuals affected with FGF23-related conditions. This variant is present in population databases (no rsID available, gnomAD 0.01%). This sequence change replaces arginine, which is basic and polar, with glycine, which is neutral and non-polar, at codon 114 of the FGF23 protein (p.Arg114Gly).